The following is an entry in ClinVar:

NM_000051.4(ATM):c.1171C>A (p.Leu391Ile)

Gene: ATM (ATM serine/threonine kinase; plus strand). Cytogenetic location: 11q22.3.
Variant type: single nucleotide variant.
Coding change: c.1171C>A on transcript NM_000051.4 (MANE Select); coding-DNA position 1171, C replaced by A.
Protein change: p.Leu391Ile; replaces leucine 391 with isoleucine.
Molecular consequence: missense variant.
Genome position (GRCh38, 1-based): chr11:108,249,038, C>A. VCF-style: chr11-108249038-C-A. GRCh37 (hg19) VCF-style: chr11-108119765-C-A.
Other names: c.1171C>A (NM_000051.3); c.1171C>A, p.Leu391Ile (NM_001351834.2); short protein forms L391I.
Identifiers: ClinVar variation 1367361 (VCV001367361.9), dbSNP rs2135293721, ClinGen allele CA382532527.
Genomic context (GRCh38, chr11:108,249,038, plus strand): 5'-ACTACTACACAAAGAGAATCTAGTGATTACAGTGTCCCTTGCAAAAGGAAGAAAATAGAA[C>A]TAGGCTGGGAAGTAATAAAAGATCACCTTCAGAAGTCACAGAATGATTTTGATCTTGTGC-3'
Protein context (NP_000042.3, residues 381-401): SVPCKRKKIE[Leu391Ile]GWEVIKDHLQ

ClinVar aggregate classification (germline): Uncertain significance. Review status: criteria provided, multiple submitters, no conflicts (2 of 4 stars). 2 submissions from 2 submitters: Uncertain significance (2). Last evaluated 2024-04-22.

Conditions:
Hereditary cancer-predisposing syndrome. Also called: Hereditary neoplastic syndrome; Hereditary Cancer Syndrome; Neoplastic Syndromes, Hereditary; Tumor predisposition. Identifiers: Orphanet 140162, MedGen C0027672, MeSH D009386, MONDO:0015356.
Ataxia-telangiectasia syndrome (AT). Also called: Cerebello-oculocutaneous telangiectasia; Immunodeficiency with ataxia telangiectasia; AT, COMPLEMENTATION GROUP C; Ataxia-telangiectasia, complementation group E; LOUIS-BAR SYNDROME; ATAXIA-TELANGIECTASIA, COMPLEMENTATION GROUP A. Identifiers: Orphanet 100, MedGen C0004135, MONDO:0008840, OMIM 208900.

gnomAD v4.1: 1 of 1,613,856 alleles (0.000062%); highest among the groups gnomAD compares: African/African-American, 0.0013%; no homozygotes.

Submissions (2):

Ambry Genetics
Classification: Uncertain significance for Hereditary cancer-predisposing syndrome. Last evaluated: 2024-04-22. Review status: criteria provided, single submitter. Criteria: Ambry Variant Classification Scheme 2023. Collection method: clinical testing. Allele origin: germline.
Comment: The p.L391I variant (also known as c.1171C>A), located in coding exon 8 of the ATM gene, results from a C to A substitution at nucleotide position 1171. The leucine at codon 391 is replaced by isoleucine, an amino acid with highly similar properties. This amino acid position is conserved. In addition, this alteration is predicted to be tolerated by in silico analysis. Based on the available evidence, the clinical significance of this variant remains unclear.

Labcorp Genetics (formerly Invitae), Labcorp
Classification: Uncertain significance for Ataxia-telangiectasia syndrome. Last evaluated: 2022-06-20. Review status: criteria provided, single submitter. Criteria: Invitae Variant Classification Sherloc (09022015). Collection method: clinical testing. Allele origin: germline.
Comment: In summary, the available evidence is currently insufficient to determine the role of this variant in disease. Therefore, it has been classified as a Variant of Uncertain Significance. Advanced modeling of protein sequence and biophysical properties (such as structural, functional, and spatial information, amino acid conservation, physicochemical variation, residue mobility, and thermodynamic stability) performed at Invitae indicates that this missense variant is not expected to disrupt ATM protein function. This variant has not been reported in the literature in individuals affected with ATM-related conditions. This variant is not present in population databases (gnomAD no frequency). This sequence change replaces leucine, which is neutral and non-polar, with isoleucine, which is neutral and non-polar, at codon 391 of the ATM protein (p.Leu391Ile).